The following is an entry in ClinVar:

ClinVar aggregate classification (germline): Uncertain significance. Review status: criteria provided, multiple submitters, no conflicts (2 of 4 stars). 2 submissions from 2 submitters: Uncertain significance (2). Last evaluated 2024-02-27.

Conditions:
Duane retraction syndrome. Also called: Duane Syndrome; Duane's syndrome; RETRACTION SYNDROME; Duane anomaly. Identifiers: Orphanet 233, MedGen C0013261, MONDO:0007473, HP:0009921.

gnomAD v4.1: 1 of 1,614,032 alleles (0.000062%); highest among the groups gnomAD compares: South Asian, 0.0011%; no homozygotes.

Submissions (2):

Broad Center for Mendelian Genomics, Broad Institute of MIT and Harvard
Classification: Uncertain significance for Duane retraction syndrome. Last evaluated: 2024-02-27. Review status: criteria provided, single submitter. Criteria: ACMG Guidelines, 2015. Collection method: curation. Allele origin: germline. Inheritance: Autosomal dominant inheritance.
Comment: While this gene has a strong gene-disease association with global developmental delay with or without impaired intellectual development, it is lacking sufficient evidence to establish a gene-disease relationship for DRS. We believe this is a possible novel gene candidate for DRS. Given the limited information about this gene-disease relationship, the significance of the p.Glu1254Lys variant is uncertain. If you have any additional information about functional evidence or other individuals with this phenotype that also have variants in CUX1 we encourage you to reach out to the Engle Lab. out to us.

CeGaT Center for Human Genetics Tuebingen
Classification: Uncertain significance. Last evaluated: 2022-01-01. Review status: criteria provided, single submitter. Criteria: CeGaT Center For Human Genetics Tuebingen Variant Classification Criteria Version 2. Collection method: clinical testing. Allele origin: germline. Affected: yes. Observed: 1 variant allele.

NM_181552.4(CUX1):c.3760G>A (p.Glu1254Lys)

Gene: CUX1 (cut like homeobox 1; plus strand). Cytogenetic location: 7q22.1.
Variant type: single nucleotide variant.
Coding change: c.3760G>A on transcript NM_181552.4 (MANE Select); coding-DNA position 3760, G replaced by A.
Protein change: p.Glu1254Lys; replaces glutamic acid 1254 with lysine.
Molecular consequence: missense variant. On other transcripts: intron variant (5).
Genome position (GRCh38, 1-based): chr7:102,239,457, G>A. VCF-style: chr7-102239457-G-A. GRCh37 (hg19) VCF-style: chr7-101882737-G-A.
Other names: NM_181552.4(CUX1):c.3760G>A; p.Glu1254Lys; c.3793G>A, p.Glu1265Lys (NM_001202543.2); c.1256-33909G>A (NM_001913.5); c.1250-33909G>A (NM_181500.4); c.1118-33909G>A (NM_001202545.3); c.1208-33909G>A (NM_001202544.3); c.1139-33909G>A (NM_001202546.3); short protein forms E1254K, E1265K.
Identifiers: ClinVar variation 1676075 (VCV001676075.34), dbSNP rs1554534086, ClinGen allele CA368665345.